The following is an entry in ClinVar:

NM_005120.3(MED12):c.6276_6278dupGCA

Gene: MED12 (mediator complex subunit 12; plus strand). Cytogenetic location: Xq13.1.
Variant type: Microsatellite.
Coding change: c.6276_6278dupGCA on transcript NM_005120.3 (MANE Select); coding-DNA positions 6276 to 6278, 3 bases duplicated (GCA).
Molecular consequence: splice acceptor variant.
Genome position (GRCh38, 1-based): chrX:71,141,238-71,141,240, GCA duplicated; duplicating any 3 consecutive bases within chrX:71,141,228-71,141,240 gives the same sequence; the c. name uses the placement nearest the transcript's 3' end. VCF-style (leftmost placement, unchanged base first): chrX-71141227-T-TAGC. GRCh37 (hg19) VCF-style: chrX-70361077-T-TAGC.
Other names: c.6276_6278dup (NM_005120.2).
Identifiers: ClinVar variation 516193 (VCV000516193.53), dbSNP rs748394417, ClinGen allele CA641958668.
Genomic context (GRCh38, chrX:71,141,227, plus strand): 5'-TTTAGTTCTGAGGCTTAGCTTCCTCCCTCTGCTCCTTCTGAAGTATCTTTTGTGTTCTTA[T>TAGC]AGCAGCAGCAGCAACAGCAACAGCAGCAGCAGCAGCAGCAGCAACAGCAACAGCAGCAGC-3'

ClinVar aggregate classification (germline): Conflicting classifications of pathogenicity. Review status: criteria provided, conflicting classifications (1 of 4 stars). 4 submissions from 4 submitters: Uncertain significance (1); Likely benign (3). Last evaluated 2026-01-09.

Conditions:
FG syndrome (FGS). Identifiers: MedGen C0220769, MONDO:0002010.
Familial thoracic aortic aneurysm and aortic dissection (TAAD). Also called: Thoracic aortic aneurysms and dissections. Identifiers: Orphanet 91387, MedGen C4707243, MONDO:0019625.

Submissions (4):

Labcorp Genetics (formerly Invitae), Labcorp
Classification: Uncertain significance for FG syndrome. Last evaluated: 2026-01-09. Review status: criteria provided, single submitter. Criteria: Invitae Variant Classification Sherloc (09022015). Collection method: clinical testing. Allele origin: germline.
Comment: This variant, c.6276_6278dup, results in the insertion of 1 amino acid(s) of the MED12 protein (p.Gln2115dup), but otherwise preserves the integrity of the reading frame. The frequency data for this variant in the population databases is considered unreliable, as metrics indicate poor data quality at this position in the gnomAD database. This variant has not been reported in the literature in individuals affected with MED12-related conditions. ClinVar contains an entry for this variant (Variation ID: 516193). Experimental studies and prediction algorithms are not available or were not evaluated, and the functional significance of this variant is currently unknown. Algorithms developed to predict the effect of sequence changes on RNA splicing suggest that this variant may disrupt the consensus splice site. In summary, the available evidence is currently insufficient to determine the role of this variant in disease. Therefore, it has been classified as a Variant of Uncertain Significance.

Women's Health and Genetics/Laboratory Corporation of America, LabCorp
Classification: Likely benign. Last evaluated: 2024-04-11. Review status: criteria provided, single submitter. Criteria: LabCorp Variant Classification Summary - May 2015. Collection method: clinical testing. Allele origin: germline.
Comment: Variant summary: MED12 c.6276_6278dupGCA (p.Gln2115dup) results in an in-frame duplication that is predicted to duplicate one amino acid in a poly-Qln tract into the encoded protein. The variant allele was found at a frequency of 1.8e-05 in 113207 control chromosomes in a low complexity region in gnomAD v2. A total of 2 hemizygotes of this variant was reported in gnomAD v4, suggesting this variant may be benign. To our knowledge, no occurrence of c.6276_6278dupGCA in individuals affected with MED12-Related Disorders and no experimental evidence demonstrating its impact on protein function have been reported. Additionaly, no pathogenic in-frame deletions/duplications from this poly-Qln region have been reported in ClinVar. ClinVar contains an entry for this variant (Variation ID: 516193). Based on the evidence outlined above, the variant was classified as Likely benign.

GeneDx
Classification: Likely benign. Last evaluated: 2023-02-01. Review status: criteria provided, single submitter. Criteria: GeneDx Variant Classification Process June 2021. Collection method: clinical testing. Allele origin: germline. Affected: yes.
Comment: See Variant Classification Assertion Criteria.

Ambry Genetics
Classification: Likely benign for Familial thoracic aortic aneurysm and aortic dissection. Last evaluated: 2017-01-26. Review status: criteria provided, single submitter. Criteria: Ambry Variant Classification Scheme 2023. Collection method: clinical testing. Allele origin: germline.